The following is an entry in ClinVar:

ClinVar aggregate classification (germline): Uncertain significance. Review status: criteria provided, single submitter (1 of 4 stars). 2 submissions from 2 submitters: Uncertain significance (1). 1 of the submissions does not count toward it. Last evaluated 2024-02-14.

Conditions:
Autosomal dominant Alport syndrome (ATS3A). Also called: Alport syndrome dominant type; Renal failure and sensorineural hearing loss; ALPORT SYNDROME 3A, AUTOSOMAL DOMINANT. Identifiers: Orphanet 63, Orphanet 88918, MedGen C5882663, MONDO:0007086, OMIM 104200.
Hematuria, benign familial, 2 (BFH2). Identifiers: MedGen C5830421, MONDO:0958186, OMIM 620320.
Alport syndrome 3b, autosomal recessive. Identifiers: MedGen C5882699, MONDO:0957811, OMIM 620536.
COL4A3-related disorder. Also called: COL4A3-Related Disorders; COL4A3-related condition.

Allele frequency attached by ClinVar (database versions not stated): gnomAD exomes below 0.00001; gnomAD 0.00001; TOPMed 0.00001.
gnomAD v4.1: 3 of 1,614,054 alleles (0.00019%); highest among the groups gnomAD compares: Admixed American, 0.005%; no homozygotes.

Submissions (2):

Fulgent Genetics
Classification: Uncertain significance for Autosomal dominant Alport syndrome; Hematuria, benign familial, 2; Alport syndrome 3b, autosomal recessive. Last evaluated: 2024-02-14. Review status: criteria provided, single submitter. Criteria: ACMG Guidelines, 2015. Collection method: clinical testing. Allele origin: germline.

PreventionGenetics, part of Exact Sciences
Classification: Likely pathogenic for COL4A3-related condition. Last evaluated: 2023-12-14. Review status: no assertion criteria provided. Collection method: clinical testing. Allele origin: germline. Not counted in ClinVar's aggregate classification.
Comment: The COL4A3 c.1622G>C variant is predicted to result in the amino acid substitution p.Gly541Ala. To our knowledge, this variant has not been reported in the literature. This variant is reported in 0.0058% of alleles in individuals of Latino descent in gnomAD. This variant affects a glycine (Gly) residue of the conserved triple helical domain (residues 43-1438) of the COL4A3 protein, where substitutions of the glycine (Gly) residue are usually pathogenic (Hudson et al. 1993. PubMed ID: 8253711). Of note, a different substitution at the same codon, defined as c.1622G>A (p.Gly541Asp), have been reported to be pathogenic for autosomal dominant COL4A3 nephropathy (Gao et al. 2022. PubMed ID: 36685964). In addition, at other glycine (Gly) residues within this domain, substitutions of a glycine (Gly) with an alanine (Ala) have been reported to be pathogenic for autosomal dominant or recessive COL4A3 nephropathy (see for example, p.Gly1080Ala in Fallerini et al. 2014. PubMed ID: 24033287; p.Gly154Ala in Storey et al. 2013. PubMed ID: 24052634; p.Gly718Ala in Domingo-Gallego et al. 2022. PubMed ID: 33532864, Supplementary Table 2). This variant is interpreted as likely pathogenic.

NM_000091.5(COL4A3):c.1622G>C (p.Gly541Ala)

Genes: COL4A3 (collagen type IV alpha 3 chain; plus strand), MFF-DT (MFF divergent transcript; minus strand). Cytogenetic location: 2q36.3.
Variant type: single nucleotide variant.
Coding change: c.1622G>C on transcript NM_000091.5 (MANE Select); coding-DNA position 1622, G replaced by C.
Protein change: p.Gly541Ala; replaces glycine 541 with alanine.
Molecular consequence: missense variant.
Genome position (GRCh38, 1-based): chr2:227,270,816, G>C. VCF-style: chr2-227270816-G-C. GRCh37 (hg19) VCF-style: chr2-228135532-G-C.
Other names: short protein forms G541A.
Identifiers: ClinVar variation 3033134 (VCV003033134.3), dbSNP rs1288801444, ClinGen allele CA350871648.